The following is an entry in ClinVar:

NM_004304.5(ALK):c.1043C>T (p.Ala348Val)

Gene: ALK (ALK receptor tyrosine kinase; minus strand). Cytogenetic location: 2p23.2.
Variant type: single nucleotide variant.
Coding change: c.1043C>T on transcript NM_004304.5 (MANE Select); coding-DNA position 1043, C replaced by T.
Protein change: p.Ala348Val; replaces alanine 348 with valine.
Molecular consequence: missense variant.
Genome position (GRCh38, 1-based): chr2:29,532,026, G>A on the plus strand (C>T on the coding strand, the complement: ALK is on the minus strand). VCF-style: chr2-29532026-G-A. GRCh37 (hg19) VCF-style: chr2-29754892-G-A.
Other names: short protein forms A348V.
Identifiers: ClinVar variation 1910712 (VCV001910712.5), dbSNP rs760596486, ClinGen allele CA346587393.

ClinVar aggregate classification (germline): Uncertain significance (1 of 4 stars; one submission).

Conditions:
Neuroblastoma, susceptibility to, 3. Also called: ALK-Related Neuroblastic Tumor Susceptibility. Identifiers: Orphanet 635, MedGen C2751681, MONDO:0013083, OMIM 613014.

Submission:

Labcorp Genetics (formerly Invitae), Labcorp
Classification: Uncertain significance for Neuroblastoma, susceptibility to, 3. Last evaluated: 2022-08-10. Review status: criteria provided, single submitter. Criteria: Invitae Variant Classification Sherloc (09022015). Collection method: clinical testing. Allele origin: germline.
Comment: In summary, the available evidence is currently insufficient to determine the role of this variant in disease. Therefore, it has been classified as a Variant of Uncertain Significance. Algorithms developed to predict the effect of missense changes on protein structure and function are either unavailable or do not agree on the potential impact of this missense change (SIFT: "Deleterious"; PolyPhen-2: "Possibly Damaging"; Align-GVGD: "Class C0"). This variant has not been reported in the literature in individuals affected with ALK-related conditions. This variant is not present in population databases (gnomAD no frequency). This sequence change replaces alanine, which is neutral and non-polar, with valine, which is neutral and non-polar, at codon 348 of the ALK protein (p.Ala348Val).